The following is an entry in ClinVar:

NM_000234.3(LIG1):c.392G>A (p.Arg131Gln)

Gene: LIG1 (DNA ligase 1; minus strand). Cytogenetic location: 19q13.33.
Variant type: single nucleotide variant.
Coding change: c.392G>A on transcript NM_000234.3 (MANE Select); coding-DNA position 392, G replaced by A.
Protein change: p.Arg131Gln; replaces arginine 131 with glutamine.
Molecular consequence: missense variant. On other transcripts: non-coding transcript variant (6), intron variant (1).
Genome position (GRCh38, 1-based): chr19:48,153,946, C>T on the plus strand (G>A on the coding strand, the complement: LIG1 is on the minus strand). VCF-style: chr19-48153946-C-T. GRCh37 (hg19) VCF-style: chr19-48657203-C-T.
Other names: c.302G>A, p.Arg101Gln (NM_001289063.2, NM_001320971.2); c.392G>A, p.Arg131Gln (NM_001320970.2); c.370+3068G>A (NM_001289064.2); short protein forms R101Q, R131Q.
Identifiers: ClinVar variation 1475375 (VCV001475375.6), dbSNP rs368320718, ClinGen allele CA9547297.
Genomic context (GRCh38, chr19:48,153,946, plus strand): 5'-TTCCTCTTGGCTTCTCTGTCCTCGTCCTCACTCTGCTCTTCCAGGACTTCCTGAATGGTC[C>T]GTTTCGGGAGCTGCTTCCGAGCTGGGGAGGCAAAGGGCTTGGTGTATCTGACCTCGCTGG-3'
Protein context (NP_000225.1, residues 121-141): RRTARKQLPK[Arg131Gln]TIQEVLEEQS

ClinVar aggregate classification (germline): Uncertain significance. Review status: criteria provided, multiple submitters, no conflicts (2 of 4 stars). 2 submissions from 2 submitters: Uncertain significance (2). Last evaluated 2024-09-19.

Allele frequency attached by ClinVar (database versions not stated): gnomAD 0.00001; TOPMed 0.00003; ExAC 0.00007; ESP Exome Variant Server 0.00008.
gnomAD v4.1: 36 of 1,613,596 alleles (0.0022%); highest among the groups gnomAD compares: Admixed American, 0.0067%; no homozygotes.

Submissions (2):

Blueprint Genetics
Classification: Uncertain significance. Last evaluated: 2024-09-19. Review status: criteria provided, single submitter. Criteria: ACMG Guidelines, 2015. Collection method: clinical testing. Allele origin: germline.

Labcorp Genetics (formerly Invitae), Labcorp
Classification: Uncertain significance. Last evaluated: 2021-08-31. Review status: criteria provided, single submitter. Criteria: Invitae Variant Classification Sherloc (09022015). Collection method: clinical testing. Allele origin: germline.
Comment: This sequence change replaces arginine with glutamine at codon 131 of the LIG1 protein (p.Arg131Gln). The arginine residue is moderately conserved and there is a small physicochemical difference between arginine and glutamine. This variant is present in population databases (rs368320718, ExAC 0.009%). This variant has not been reported in the literature in individuals affected with LIG1-related conditions. Algorithms developed to predict the effect of missense changes on protein structure and function are either unavailable or do not agree on the potential impact of this missense change (SIFT: "Deleterious"; PolyPhen-2: "Possibly Damaging"; Align-GVGD: "Class C0"). In summary, the available evidence is currently insufficient to determine the role of this variant in disease. Therefore, it has been classified as a Variant of Uncertain Significance.